The following is an entry in ClinVar:

ClinVar aggregate classification (germline): Uncertain significance (1 of 4 stars; one submission).

Submission:

Labcorp Genetics (formerly Invitae), Labcorp
Classification: Uncertain significance. Last evaluated: 2022-08-08. Review status: criteria provided, single submitter. Criteria: Invitae Variant Classification Sherloc (09022015). Collection method: clinical testing. Allele origin: germline.
Comment: This variant, c.1776_1784del, results in the deletion of 3 amino acid(s) of the ACAD9 protein (p.Glu592_Leu594del), but otherwise preserves the integrity of the reading frame. This variant is not present in population databases (gnomAD no frequency). This variant has not been reported in the literature in individuals affected with ACAD9-related conditions. Experimental studies and prediction algorithms are not available or were not evaluated, and the functional significance of this variant is currently unknown. In summary, the available evidence is currently insufficient to determine the role of this variant in disease. Therefore, it has been classified as a Variant of Uncertain Significance.

NM_014049.5(ACAD9):c.1776_1784del (p.Glu592_Leu594del)

Genes: ACAD9 (acyl-CoA dehydrogenase family member 9; plus strand), CFAP92 (cilia and flagella associated protein 92 (putative); minus strand). Cytogenetic location: 3q21.3.
Variant type: Deletion.
Coding change: c.1776_1784del on transcript NM_014049.5 (MANE Select); coding-DNA positions 1776 to 1784, 9 bases deleted (AAACCTAGA; older notation c.1776_1784delAAACCTAGA).
Protein change: p.Glu592_Leu594del.
Molecular consequence: inframe deletion. On other transcripts: non-coding transcript variant (1), intron variant (3).
Genome position (GRCh38, 1-based): chr3:128,912,517-128,912,525, AAACCTAGA deleted; deleting any 9 consecutive bases within chr3:128,912,514-128,912,525 gives the same sequence; the c. name uses the placement nearest the transcript's 3' end. VCF-style (leftmost placement, unchanged base first): chr3-128912513-CAGAAAACCT-C. GRCh37 (hg19) VCF-style: chr3-128631356-CAGAAAACCT-C.
Other names: c.1407_1415del, p.Glu469_Leu471del (NM_001410805.1); c.2312-2189_2312-2181del (NM_001348521.2); c.2408-2189_2408-2181del (NM_001348520.2); c.3281-2189_3281-2181del (NM_001394090.1).
Identifiers: ClinVar variation 2022908 (VCV002022908.1), dbSNP rs2529107065, ClinGen allele CA2580068750.